The following is an entry in ClinVar:

ClinVar aggregate classification (germline): Uncertain significance (0 of 4 stars; one submission).

Conditions:
PEX19-related disorder. Also called: PEX19-related condition.

Submission:

PreventionGenetics, part of Exact Sciences
Classification: Uncertain significance for PEX19-related condition. Last evaluated: 2024-05-31. Review status: no assertion criteria provided. Collection method: clinical testing. Allele origin: germline.
Comment: The PEX19 c.824_844dup21 variant is predicted to result in an in-frame duplication (p.Gly275_Asp281dup). To our knowledge, this variant has not been reported in the literature or in a large population database, indicating this variant is rare. At this time, the clinical significance of this variant is uncertain due to the absence of conclusive functional and genetic evidence.

NM_002857.4(PEX19):c.824_844dup (p.Asp281_Ala282insGlyLeuAsnPheAspLeuAsp)

Gene: PEX19 (peroxisomal biogenesis factor 19; minus strand). Cytogenetic location: 1q23.2.
Variant type: Duplication.
Coding change: c.824_844dup on transcript NM_002857.4 (MANE Select); coding-DNA positions 824 to 844, 21 bases duplicated (GCCTCAACTTTGACCTGGATG).
Protein change: p.Asp281_Ala282insGlyLeuAsnPheAspLeuAsp.
Molecular consequence: inframe insertion. On other transcripts: non-coding transcript variant (2), intron variant (1).
Genome position (GRCh38, 1-based): chr1:160,279,607-160,279,627, CATCCAGGTCAAAGTTGAGGC duplicated on the plus strand (GCCTCAACTTTGACCTGGATG on the coding strand, the reverse complement: PEX19 is on the minus strand); duplicating any 21 consecutive bases within chr1:160,279,607-160,279,629 gives the same sequence; the c. name uses the placement nearest the transcript's 3' end. VCF-style (leftmost placement, unchanged base first): chr1-160279606-G-GCATCCAGGTCAAAGTTGAGGC. GRCh37 (hg19) VCF-style: chr1-160249396-G-GCATCCAGGTCAAAGTTGAGGC.
Other names: c.817-45_817-25dup (NM_001193644.1).
Identifiers: ClinVar variation 3344067 (VCV003344067.1).
Genomic context (GRCh38, chr1:160,279,606, plus strand): 5'-GTGTTTCACATGATCAGACACTGTTCACCACTGGCACCTGGTGGGCCCGAAAGATTGAGG[G>GCATCCAGGTCAAAGTTGAGGC]CATCCAGGTCAAAGTTGAGGCCAGGAGGCTGGGGAAGAGATGAAGGGACTCAGATAGTTG-3'